The following is an entry in ClinVar:

NM_000179.3(MSH6):c.1039G>A (p.Glu347Lys)

Gene: MSH6 (mutS homolog 6; plus strand). Cytogenetic location: 2p16.3.
Variant type: single nucleotide variant.
Coding change: c.1039G>A on transcript NM_000179.3 (MANE Select); coding-DNA position 1039, G replaced by A.
Protein change: p.Glu347Lys; replaces glutamic acid 347 with lysine.
Molecular consequence: missense variant.
Genome position (GRCh38, 1-based): chr2:47,799,022, G>A. VCF-style: chr2-47799022-G-A. GRCh37 (hg19) VCF-style: chr2-48026161-G-A.
Other names: c.649G>A, p.Glu217Lys (NM_001281492.2); c.133G>A, p.Glu45Lys (NM_001281493.2, NM_001281494.2, NM_001406811.1 and 6 more transcripts); c.1135G>A, p.Glu379Lys (NM_001406795.1, NM_001406802.1); c.1039G>A, p.Glu347Lys (NM_001406796.1, NM_001406798.1, NM_001406800.1 and 4 more transcripts); c.742G>A, p.Glu248Lys (NM_001406797.1, NM_001406801.1, NM_001406805.1 and 10 more transcripts); c.514G>A, p.Glu172Lys (NM_001406799.1, NM_001406806.1, NM_001406807.1); c.961G>A, p.Glu321Lys (NM_001406804.1); c.1045G>A, p.Glu349Lys (NM_001406813.1); and 1 more; short protein forms E172K, E248K, E321K, E45K, E349K, E217K, E291K, E347K.
Identifiers: ClinVar variation 1773547 (VCV001773547.2), dbSNP rs1669287624, ClinGen allele CA346741455.

ClinVar aggregate classification (germline): Uncertain significance (1 of 4 stars; one submission).

Conditions:
Hereditary cancer-predisposing syndrome. Also called: Hereditary Cancer Syndrome; Hereditary neoplastic syndrome; Neoplastic Syndromes, Hereditary; Tumor predisposition. Identifiers: Orphanet 140162, MedGen C0027672, MeSH D009386, MONDO:0015356.

Submission:

Ambry Genetics
Classification: Uncertain significance for Hereditary cancer-predisposing syndrome. Last evaluated: 2019-03-15. Review status: criteria provided, single submitter. Criteria: Ambry Variant Classification Scheme 2023. Collection method: clinical testing. Allele origin: germline.
Comment: The p.E347K variant (also known as c.1039G>A), located in coding exon 4 of the MSH6 gene, results from a G to A substitution at nucleotide position 1039. The glutamic acid at codon 347 is replaced by lysine, an amino acid with similar properties. This amino acid position is well conserved in available vertebrate species. In addition, the in silico prediction for this alteration is inconclusive. In addition, the CoDP in silico tool predicts this alteration to have minor impact on molecular function, with a score of 0.000 (Terui H et al. J. Biomed. Sci. 2013 Apr;20:25). Since supporting evidence is limited at this time, the clinical significance of this alteration remains unclear.